The following is an entry in ClinVar:

ClinVar aggregate classification (germline): Uncertain significance (1 of 4 stars; one submission).

Conditions:
Hereditary cancer-predisposing syndrome. Also called: Neoplastic Syndromes, Hereditary; Tumor predisposition; Hereditary Cancer Syndrome; Hereditary neoplastic syndrome. Identifiers: Orphanet 140162, MedGen C0027672, MeSH D009386, MONDO:0015356.

gnomAD v4.1: 1 of 1,613,244 alleles (0.000062%); highest among the groups gnomAD compares: Non-Finnish European, 0.000085%; no homozygotes.

Submission:

Ambry Genetics
Classification: Uncertain significance for Hereditary cancer-predisposing syndrome. Last evaluated: 2024-11-15. Review status: criteria provided, single submitter. Criteria: Ambry Variant Classification Scheme 2023. Collection method: clinical testing. Allele origin: germline.
Comment: The c.2284+4C>A intronic variant results from a C to A substitution 4 nucleotides after coding exon 12 in the RET gene. This nucleotide position is well conserved in available vertebrate species. In silico splice site analysis predicts that this alteration will not have any significant effect on splicing. Based on the available evidence, the clinical significance of this variant remains unclear.

NM_020975.6(RET):c.2284+4C>A

Gene: RET (ret proto-oncogene; plus strand). Cytogenetic location: 10q11.21.
Variant type: single nucleotide variant.
Coding change: c.2284+4C>A on transcript NM_020975.6 (MANE Select); 4 bases into the intron after coding-DNA position 2284, C replaced by A.
Molecular consequence: intron variant.
Genome position (GRCh38, 1-based): chr10:43,116,735, C>A. VCF-style: chr10-43116735-C-A. GRCh37 (hg19) VCF-style: chr10-43612183-C-A.
Other names: c.2284+4C>A (NM_020630.7, NM_001406743.1, NM_001406744.1 and 2 more transcripts); c.2149+4C>A (NM_001406765.1, NM_001406763.1); c.1888+4C>A (NM_001406772.1, NM_001406769.1); c.1846+4C>A (NM_001406773.1, NM_001406771.1); c.1387+4C>A (NM_001406782.1, NM_001406780.1, NM_001406779.1 and 1 more transcripts); c.1252+4C>A (NM_001406787.1); c.1267+4C>A (NM_001406785.1); c.2155+4C>A (NM_001406764.1, NM_001406762.1, NM_001406761.1); and 10 more.
Identifiers: ClinVar variation 3432289 (VCV003432289.1).